The following is an entry in ClinVar:

ClinVar aggregate classification (germline): Uncertain significance (1 of 4 stars; one submission).

Submission:

Labcorp Genetics (formerly Invitae), Labcorp
Classification: Uncertain significance. Last evaluated: 2019-09-18. Review status: criteria provided, single submitter. Criteria: Invitae Variant Classification Sherloc (09022015). Collection method: clinical testing. Allele origin: germline.
Comment: In summary, the available evidence is currently insufficient to determine the role of this variant in disease. Therefore, it has been classified as a Variant of Uncertain Significance. Algorithms developed to predict the effect of sequence changes on RNA splicing suggest that this variant may create or strengthen a splice site, but this prediction has not been confirmed by published transcriptional studies. Algorithms developed to predict the effect of missense changes on protein structure and function are either unavailable or do not agree on the potential impact of this missense change (SIFT: "Tolerated"; PolyPhen-2: "Possibly Damaging"; Align-GVGD: "Class C0"). This variant has not been reported in the literature in individuals with FAM20C-related conditions. The frequency data for this variant in the population databases is considered unreliable, as metrics indicate insufficient coverage at this position in the ExAC database. This sequence change replaces leucine with glutamine at codon 107 of the FAM20C protein (p.Leu107Gln). The leucine residue is weakly conserved and there is a moderate physicochemical difference between leucine and glutamine.

NM_020223.4(FAM20C):c.320T>A (p.Leu107Gln)

Gene: FAM20C (FAM20C golgi associated secretory pathway kinase; plus strand). Cytogenetic location: 7p22.3.
Variant type: single nucleotide variant.
Coding change: c.320T>A on transcript NM_020223.4 (MANE Select); coding-DNA position 320, T replaced by A.
Protein change: p.Leu107Gln; replaces leucine 107 with glutamine.
Molecular consequence: missense variant.
Genome position (GRCh38, 1-based): chr7:193,519, T>A. VCF-style: chr7-193519-T-A. GRCh37 (hg19) VCF-style: chr7-193519-T-A.
Other names: short protein forms L107Q.
Identifiers: ClinVar variation 964370 (VCV000964370.9), dbSNP rs1785686950, ClinGen allele CA366523341.